The following is an entry in ClinVar:

NM_023067.4(FOXL2):c.131del (p.Thr44fs)

Gene: FOXL2 (forkhead box L2; minus strand). Cytogenetic location: 3q22.3.
Variant type: Deletion.
Coding change: c.131del on transcript NM_023067.4 (MANE Select); coding-DNA position 131, one base deleted (C; older notation c.131delC).
Protein change: p.Thr44fs; shifts the reading frame from threonine 44.
Molecular consequence: frameshift variant.
Genome position (GRCh38, 1-based): chr3:138,946,592, G deleted on the plus strand (C on the coding strand, the reverse complement: FOXL2 is on the minus strand). VCF-style (leftmost placement, unchanged base first): chr3-138946591-TG-T. GRCh37 (hg19) VCF-style: chr3-138665433-TG-T.
Other names: short protein forms T44fs.
Identifiers: ClinVar variation 5019808 (VCV005019808.1).

ClinVar aggregate classification (germline): Likely pathogenic (1 of 4 stars; one submission).

Conditions:
Blepharophimosis, ptosis, and epicanthus inversus syndrome. Identifiers: Orphanet 126, MedGen C0220663, MONDO:0007201, OMIM 110100.
Premature ovarian failure 3 (POF3). Identifiers: MedGen C1837008, MONDO:0012169, OMIM 608996.

Submission:

Juno Genomics, Hangzhou Juno Genomics, Inc
Classification: Likely pathogenic for Blepharophimosis, ptosis, and epicanthus inversus syndrome; Premature ovarian failure 3. Review status: criteria provided, single submitter. Criteria: ACMG Guidelines, 2015. Collection method: clinical testing. Allele origin: germline. Affected: yes.
Comment: Absent from controls (or at extremely low frequency if recessive) in Genome Aggregation Database.;Null variant in a gene where loss of function (LOF) is a known mechanism of disease.